The following is an entry in ClinVar:

NC_000009.12:g.132944641C>A

Gene: TSC1 (TSC complex subunit 1; minus strand). Cytogenetic location: 9q34.13.
Variant type: single nucleotide variant.
Genome position: GRCh38 VCF-style: chr9-132944641-C-A. GRCh37 (hg19) VCF-style: chr9-135820028-C-A.
Identifiers: ClinVar variation 4982070 (VCV004982070.1), dbSNP rs571288003.

ClinVar aggregate classification (germline): Likely benign (1 of 4 stars; one submission).

Conditions:
TSC1-related disorder. Also called: TSC1-related condition.

Allele frequency attached by ClinVar (database versions not stated): gnomAD 0.00003; TOPMed 0.00003; 1000 Genomes Project 30x 0.00016; 1000 Genomes Project 0.00020.
gnomAD v4.1: 9 of 398,862 alleles (0.0023%); highest among the groups gnomAD compares: Admixed American, 0.013%; no homozygotes.

Submission:

PreventionGenetics, part of Exact Sciences
Classification: Likely benign for TSC1-related condition. Last evaluated: 2026-02-16. Review status: criteria provided, single submitter. Criteria: ACMG Guidelines, 2015. Collection method: clinical testing. Allele origin: germline.
Comment: This variant is classified as likely benign based on ACMG/AMP sequence variant interpretation guidelines (Richards et al. 2015 PMID: 25741868, with internal and published modifications).